The following is an entry in ClinVar:

NM_025114.4(CEP290):c.463G>A (p.Ala155Thr)

Gene: CEP290 (centrosomal protein 290; minus strand). Cytogenetic location: 12q21.32.
Variant type: single nucleotide variant.
Coding change: c.463G>A on transcript NM_025114.4 (MANE Select); coding-DNA position 463, G replaced by A.
Protein change: p.Ala155Thr; replaces alanine 155 with threonine.
Molecular consequence: missense variant.
Genome position (GRCh38, 1-based): chr12:88,131,197, C>T on the plus strand (G>A on the coding strand, the complement: CEP290 is on the minus strand). VCF-style: chr12-88131197-C-T. GRCh37 (hg19) VCF-style: chr12-88524974-C-T.
Other names: short protein forms A155T.
Identifiers: ClinVar variation 1464617 (VCV001464617.8), dbSNP rs2138114070, ClinGen allele CA385986653.

ClinVar aggregate classification (germline): Uncertain significance (1 of 4 stars; one submission).

Conditions:
Nephronophthisis. Also called: Juvenile Nephronophthisis. Identifiers: Orphanet 655, MedGen C0687120, MONDO:0019005, HP:0000090.
Meckel-Gruber syndrome. Also called: DYSENCEPHALIA SPLANCHNOCYSTICA; GRUBER SYNDROME; Dysencephalia splachnocystica. Identifiers: Orphanet 564, MedGen C0265215, MONDO:0018921.
Joubert syndrome. Also called: CEREBELLOPARENCHYMAL DISORDER IV; JOUBERT-BOLTSHAUSER SYNDROME; Familial aplasia of the vermis. Identifiers: Orphanet 475, MedGen C5979921, MONDO:0018772.

Submission:

Labcorp Genetics (formerly Invitae), Labcorp
Classification: Uncertain significance for Joubert syndrome; Meckel-Gruber syndrome; Nephronophthisis. Last evaluated: 2022-02-10. Review status: criteria provided, single submitter. Criteria: Invitae Variant Classification Sherloc (09022015). Collection method: clinical testing. Allele origin: germline.
Comment: This variant is not present in population databases (gnomAD no frequency). This variant has not been reported in the literature in individuals affected with CEP290-related conditions. Algorithms developed to predict the effect of missense changes on protein structure and function are either unavailable or do not agree on the potential impact of this missense change (SIFT: "Deleterious"; PolyPhen-2: "Benign"; Align-GVGD: "Class C0"). In summary, the available evidence is currently insufficient to determine the role of this variant in disease. Therefore, it has been classified as a Variant of Uncertain Significance. This sequence change replaces alanine, which is neutral and non-polar, with threonine, which is neutral and polar, at codon 155 of the CEP290 protein (p.Ala155Thr).